The following is an entry in ClinVar:

NM_003052.5(SLC34A1):c.713A>C (p.Glu238Ala)

Gene: SLC34A1 (solute carrier family 34 member 1; plus strand). Cytogenetic location: 5q35.3.
Variant type: single nucleotide variant.
Coding change: c.713A>C on transcript NM_003052.5 (MANE Select); coding-DNA position 713, A replaced by C.
Protein change: p.Glu238Ala; replaces glutamic acid 238 with alanine.
Molecular consequence: missense variant.
Genome position (GRCh38, 1-based): chr5:177,388,062, A>C. VCF-style: chr5-177388062-A-C. GRCh37 (hg19) VCF-style: chr5-176815063-A-C.
Other names: c.713A>C, p.Glu238Ala (NM_001167579.2); short protein forms E238A.
Identifiers: ClinVar variation 438694 (VCV000438694.4), dbSNP rs1554095500, ClinGen allele CA362365278.

ClinVar aggregate classification (germline): Conflicting classifications of pathogenicity. Review status: criteria provided, conflicting classifications (1 of 4 stars). 3 submissions from 3 submitters: Likely pathogenic (1); Uncertain significance (1). 1 of the submissions does not count toward it. Last evaluated 2024-04-02.

Conditions:
Hypercalcemia, infantile, 2 (HCINF2). Identifiers: Orphanet 300547, MedGen C4310473, MONDO:0014851, OMIM 616963.

Submissions (3):

MVZ Medizinische Genetik Mainz
Classification: Likely pathogenic for Hypercalcemia, infantile, 2. Last evaluated: 2024-04-02. Review status: criteria provided, single submitter. Criteria: UK Practice Guidelines For Variant Classification V4 01 2020. Collection method: clinical testing. Allele origin: germline. Inheritance: Autosomal recessive inheritance. Affected: yes. Observed: 1 variant allele.
Comment: ACMG Criteria: PM3,PP3_MOD,PM2_SUP,PP4

Blueprint Genetics
Classification: Uncertain significance. Last evaluated: 2024-01-30. Review status: criteria provided, single submitter. Criteria: ACMG Guidelines, 2015. Collection method: clinical testing. Allele origin: germline.

Bioscientia Institut fuer Medizinische Diagnostik GmbH, Sonic Healthcare
Classification: Likely pathogenic for Hypercalcemia, infantile, 2. Last evaluated: 2017-04-20. Review status: no assertion criteria provided. Collection method: clinical testing. Allele origin: germline. Affected: yes. Not counted in ClinVar's aggregate classification.